The following is an entry in ClinVar:

NM_001110556.2(FLNA):c.277C>G (p.His93Asp)

Gene: FLNA (filamin A; minus strand). Cytogenetic location: Xq28.
Variant type: single nucleotide variant.
Coding change: c.277C>G on transcript NM_001110556.2 (MANE Select); coding-DNA position 277, C replaced by G.
Protein change: p.His93Asp; replaces histidine 93 with aspartic acid.
Molecular consequence: missense variant.
Genome position (GRCh38, 1-based): chrX:154,370,969, G>C on the plus strand (C>G on the coding strand, the complement: FLNA is on the minus strand). VCF-style: chrX-154370969-G-C. GRCh37 (hg19) VCF-style: chrX-153599337-G-C.
Other names: c.277C>G, p.His93Asp (NM_001456.4); short protein forms H93D.
Identifiers: ClinVar variation 4882275 (VCV004882275.2).

ClinVar aggregate classification (germline): Uncertain significance (1 of 4 stars; one submission).

Conditions:
Heterotopia, periventricular, X-linked dominant (PVNH1). Also called: PERIVENTRICULAR NODULAR HETEROTOPIA 1; X-linked periventricular heterotopia; PERIVENTRICULAR NODULAR HETEROTOPIA 4; HETEROTOPIA, PERIVENTRICULAR, 1. Identifiers: Orphanet 2149, Orphanet 82004, MedGen C1848213, MONDO:0010233, OMIM 300049.

Submission:

Dasa
Classification: Uncertain significance for Heterotopia, periventricular, X-linked dominant. Last evaluated: 2025-04-21. Review status: criteria provided, single submitter. Criteria: DASA Assertion Criteria. Collection method: clinical testing. Allele origin: germline.
Comment: NM_001110556.2(FLNA):c.277C>G (p.His93Asp) is a missense variant that results in the substitution of histidine with aspartic acid. The affected residue or protein region has prior evidence supporting clinical relevance. This variant is absent from population databases. The currently available literature and clinical evidence are not sufficient to establish a definitive association between this variant and the reported condition. Therefore, this variant is classified as a variant of uncertain significance.